The following is an entry in ClinVar:

NM_001369.3(DNAH5):c.7847_7848insATTTTTTTAGTTGTGAACT (p.Ser2616delinsArgPhePheTer)

Gene: DNAH5 (dynein axonemal heavy chain 5; minus strand). Cytogenetic location: 5p15.2.
Variant type: Insertion.
Coding change: c.7847_7848insATTTTTTTAGTTGTGAACT on transcript NM_001369.3 (MANE Select); coding-DNA positions 7847 to 7848, ATTTTTTTAGTTGTGAACT inserted.
Protein change: p.Ser2616delinsArgPhePheTer.
Molecular consequence: nonsense.
Genome position: GRCh38 VCF-style: chr5-13807630-A-AAGTTCACAACTAAAAAAAT. GRCh37 (hg19) VCF-style: chr5-13807739-A-AAGTTCACAACTAAAAAAAT.
Identifiers: ClinVar variation 5010929 (VCV005010929.1).

ClinVar aggregate classification (germline): Pathogenic (1 of 4 stars; one submission).

Conditions:
Primary ciliary dyskinesia 3. Identifiers: Orphanet 244, MedGen C1837618, MONDO:0012085, OMIM 608644.

Submission:

Myriad Genetics, Inc.
Classification: Pathogenic for Primary ciliary dyskinesia 3. Last evaluated: 2024-05-14. Review status: criteria provided, single submitter. Criteria: Myriad Autosomal Dominant, Autosomal Recessive and X-Linked Classification Criteria (2023). Collection method: clinical testing. Allele origin: unknown.
Comment: NM_001369.2(DNAH5):c.7847_7848ins19(S2616Rfs*4) is expected to be pathogenic in the context of primary ciliary dyskinesia, DNAH5-related. This variant is predicted to lead to an abnormal or absent protein product due to the creation of a premature termination codon in DNAH5, a gene where loss-of-function variants are known to be pathogenic. Please note: this variant was assessed in the context of healthy population screening.